The following is an entry in ClinVar:

ClinVar aggregate classification (germline): Likely benign. Review status: criteria provided, multiple submitters, no conflicts (2 of 4 stars). 4 submissions from 4 submitters: Likely benign (4). Last evaluated 2026-05-01.

Allele frequency attached by ClinVar (database versions not stated): 1000 Genomes Project 0.00160; TOPMed 0.00170; 1000 Genomes Project 30x 0.00187; ESP Exome Variant Server 0.00192; gnomAD 0.00210 and 0.00212; gnomAD exomes 0.00234 and 0.00239; ExAC 0.00267.

Submissions (4):

CeGaT Center for Human Genetics Tuebingen
Classification: Likely benign. Last evaluated: 2026-05-01. Review status: criteria provided, single submitter. Criteria: CeGaT Center For Human Genetics Tuebingen Variant Classification Criteria Version 2. Collection method: clinical testing. Allele origin: germline. Affected: yes. Observed: 5 variant alleles.
Comment: CLCN6: BS2

Labcorp Genetics (formerly Invitae), Labcorp
Classification: Likely benign. Last evaluated: 2026-02-02. Review status: criteria provided, single submitter. Criteria: Invitae Variant Classification Sherloc (09022015). Collection method: clinical testing. Allele origin: germline.

Genomic Medicine Center of Excellence, King Faisal Specialist Hospital and Research Centre
Classification: Likely benign. Last evaluated: 2025-08-18. Review status: criteria provided, single submitter. Criteria: ACMG Guidelines, 2015. Collection method: clinical testing. Allele origin: germline.

Breakthrough Genomics
Classification: Likely benign. Review status: criteria provided, single submitter. Criteria: ACMG Guidelines, 2015. Collection method: not provided. Allele origin: germline. Inheritance: Autosomal dominant inheritance. Affected: yes.

NM_001286.5(CLCN6):c.1738G>A (p.Val580Met)

Gene: CLCN6 (Cl-/H+ antiporter 6; plus strand). Cytogenetic location: 1p36.22.
Variant type: single nucleotide variant.
Coding change: c.1738G>A on transcript NM_001286.5 (MANE Select); coding-DNA position 1738, G replaced by A.
Protein change: p.Val580Met; replaces valine 580 with methionine.
Molecular consequence: missense variant. On other transcripts: non-coding transcript variant (1).
Genome position (GRCh38, 1-based): chr1:11,834,535, G>A. VCF-style: chr1-11834535-G-A. GRCh37 (hg19) VCF-style: chr1-11894592-G-A.
Other names: c.1672G>A, p.Val558Met (NM_001256959.2); short protein forms V558M, V580M.
Identifiers: ClinVar variation 769504 (VCV000769504.35), dbSNP rs150830522, ClinGen allele CA596593.